The following is an entry in ClinVar:

NM_005765.3(ATP6AP2):c.315T>A (p.Ser105Arg)

Gene: ATP6AP2 (ATPase H+ transporting accessory protein 2; plus strand). Cytogenetic location: Xp11.4.
Variant type: single nucleotide variant.
Coding change: c.315T>A on transcript NM_005765.3 (MANE Select); coding-DNA position 315, T replaced by A.
Protein change: p.Ser105Arg; replaces serine 105 with arginine.
Molecular consequence: missense variant.
Genome position (GRCh38, 1-based): chrX:40,597,263, T>A. VCF-style: chrX-40597263-T-A. GRCh37 (hg19) VCF-style: chrX-40456515-T-A.
Other names: short protein forms S105R.
Identifiers: ClinVar variation 1910865 (VCV001910865.5), dbSNP rs745748841, ClinGen allele CA412755205.

ClinVar aggregate classification (germline): Uncertain significance (1 of 4 stars; one submission).

Conditions:
Intellectual developmental disorder, X-linked, syndromic, Hedera type. Also called: Syndromic X-linked intellectual disability Hedera type. Identifiers: Orphanet 93952, MedGen C1845543, MONDO:0010319, OMIM 300423.

gnomAD v4.1: 3 of 1,203,340 alleles (0.00025%); highest among the groups gnomAD compares: Non-Finnish European, 0.00034%; no homozygotes.

Submission:

Labcorp Genetics (formerly Invitae), Labcorp
Classification: Uncertain significance for Intellectual developmental disorder, X-linked, syndromic, Hedera type. Last evaluated: 2025-02-09. Review status: criteria provided, single submitter. Criteria: Invitae Variant Classification Sherloc (09022015). Collection method: clinical testing. Allele origin: germline.
Comment: This sequence change replaces serine, which is neutral and polar, with arginine, which is basic and polar, at codon 105 of the ATP6AP2 protein (p.Ser105Arg). This variant is not present in population databases (gnomAD no frequency). This variant has not been reported in the literature in individuals affected with ATP6AP2-related conditions. ClinVar contains an entry for this variant (Variation ID: 1910865). Invitae Evidence Modeling of protein sequence and biophysical properties (such as structural, functional, and spatial information, amino acid conservation, physicochemical variation, residue mobility, and thermodynamic stability) indicates that this missense variant is not expected to disrupt ATP6AP2 protein function with a negative predictive value of 80%. In summary, the available evidence is currently insufficient to determine the role of this variant in disease. Therefore, it has been classified as a Variant of Uncertain Significance.